The following is an entry in ClinVar:

ClinVar aggregate classification (germline): Uncertain significance (1 of 4 stars; one submission).

Submission:

CeGaT Center for Human Genetics Tuebingen
Classification: Uncertain significance. Last evaluated: 2024-02-01. Review status: criteria provided, single submitter. Criteria: CeGaT Center For Human Genetics Tuebingen Variant Classification Criteria Version 2. Collection method: clinical testing. Allele origin: germline. Affected: yes. Observed: 1 variant allele.
Comment: FZR1: PM2:Supporting, PP3

NM_016263.4(FZR1):c.255C>T (p.Gly85=)

Gene: FZR1 (fizzy and cell division cycle 20 related 1; plus strand). Cytogenetic location: 19p13.3.
Variant type: single nucleotide variant.
Coding change: c.255C>T on transcript NM_016263.4 (MANE Select); coding-DNA position 255, C replaced by T.
Protein change: p.Gly85=; no amino-acid change (glycine 85 retained).
Molecular consequence: synonymous variant.
Genome position (GRCh38, 1-based): chr19:3,526,179, C>T. VCF-style: chr19-3526179-C-T. GRCh37 (hg19) VCF-style: chr19-3526177-C-T.
Other names: c.255C>T, p.Gly85= (NM_001136197.1, NM_001136198.1).
Identifiers: ClinVar variation 3027057 (VCV003027057.22), dbSNP rs757634430, ClinGen allele CA505154007.